The following is an entry in ClinVar:

NM_181712.5(KANK4):c.806A>G (p.Asn269Ser)

Gene: KANK4 (KN motif and ankyrin repeat domains 4; minus strand). Cytogenetic location: 1p31.3.
Variant type: single nucleotide variant.
Coding change: c.806A>G on transcript NM_181712.5 (MANE Select); coding-DNA position 806, A replaced by G.
Protein change: p.Asn269Ser; replaces asparagine 269 with serine.
Molecular consequence: missense variant. On other transcripts: intron variant (1).
Genome position (GRCh38, 1-based): chr1:62,274,298, T>C on the plus strand (A>G on the coding strand, the complement: KANK4 is on the minus strand). VCF-style: chr1-62274298-T-C. GRCh37 (hg19) VCF-style: chr1-62739970-T-C.
Other names: c.17-2709A>G (NM_001320269.2); short protein forms N269S.
Identifiers: ClinVar variation 3000179 (VCV003000179.3), dbSNP rs1377971663, ClinGen allele CA340618801.

ClinVar aggregate classification (germline): Uncertain significance (1 of 4 stars; one submission).

Allele frequency attached by ClinVar (database versions not stated): gnomAD 0.00001.
gnomAD v4.1: 1 of 1,613,996 alleles (0.000062%); highest among the groups gnomAD compares: Admixed American, 0.0017%; no homozygotes.

Submission:

Labcorp Genetics (formerly Invitae), Labcorp
Classification: Uncertain significance. Last evaluated: 2023-10-07. Review status: criteria provided, single submitter. Criteria: Invitae Variant Classification Sherloc (09022015). Collection method: clinical testing. Allele origin: germline.
Comment: This sequence change replaces asparagine, which is neutral and polar, with serine, which is neutral and polar, at codon 269 of the KANK4 protein (p.Asn269Ser). This variant is present in population databases (no rsID available, gnomAD 0.1%). This variant has not been reported in the literature in individuals affected with KANK4-related conditions. An algorithm developed to predict the effect of missense changes on protein structure and function (PolyPhen-2) suggests that this variant is likely to be tolerated. In summary, the available evidence is currently insufficient to determine the role of this variant in disease. Therefore, it has been classified as a Variant of Uncertain Significance.